The following is an entry in ClinVar:

ClinVar aggregate classification (germline): Uncertain significance (1 of 4 stars; one submission).

Conditions:
Familial hypocalciuric hypercalcemia (FHH). Also called: Familial benign hypercalcemia. Identifiers: Orphanet 405, MedGen C1809471, MONDO:0018458.
Autosomal dominant hypocalcemia 1 (HYPOC1). Also called: HYPOCALCEMIA, FAMILIAL. Identifiers: MedGen C3715128, MONDO:0011013, OMIM 601198.

Submission:

Labcorp Genetics (formerly Invitae), Labcorp
Classification: Uncertain significance for Familial hypocalciuric hypercalcemia; Autosomal dominant hypocalcemia 1. Last evaluated: 2024-07-23. Review status: criteria provided, single submitter. Criteria: Invitae Variant Classification Sherloc (09022015). Collection method: clinical testing. Allele origin: germline.
Comment: This sequence change replaces valine, which is neutral and non-polar, with glycine, which is neutral and non-polar, at codon 537 of the CASR protein (p.Val537Gly). This variant is not present in population databases (gnomAD no frequency). This variant has not been reported in the literature in individuals affected with CASR-related conditions. An algorithm developed to predict the effect of missense changes on protein structure and function (PolyPhen-2) suggests that this variant is likely to be disruptive. In summary, the available evidence is currently insufficient to determine the role of this variant in disease. Therefore, it has been classified as a Variant of Uncertain Significance.

NM_000388.4(CASR):c.1610T>G (p.Val537Gly)

Gene: CASR (calcium sensing receptor; plus strand). Cytogenetic location: 3q21.1.
Variant type: single nucleotide variant.
Coding change: c.1610T>G on transcript NM_000388.4 (MANE Select); coding-DNA position 1610, T replaced by G.
Protein change: p.Val537Gly; replaces valine 537 with glycine.
Molecular consequence: missense variant.
Genome position (GRCh38, 1-based): chr3:122,282,114, T>G. VCF-style: chr3-122282114-T-G. GRCh37 (hg19) VCF-style: chr3-122000961-T-G.
Other names: c.1640T>G, p.Val547Gly (NM_001178065.2); short protein forms V537G, V547G.
Identifiers: ClinVar variation 3757350 (VCV003757350.2).